The following is an entry in ClinVar:

ClinVar aggregate classification (germline): Uncertain significance (1 of 4 stars; one submission).

Conditions:
Neuroferritinopathy (NBIA3). Also called: NEURODEGENERATION WITH BRAIN IRON ACCUMULATION 3; BASAL GANGLIA DISEASE, ADULT-ONSET. Identifiers: Orphanet 157846, MedGen C1853578, MONDO:0011638, OMIM 606159.
Hereditary hyperferritinemia with congenital cataracts. Also called: Hereditary hyperferritinemia cataract syndrome; Bonneau-Beaumont syndrome; HYPERFERRITINEMIA WITH OR WITHOUT CATARACT. Identifiers: Orphanet 163, MedGen C1833213, MONDO:0010952, OMIM 600886.

Allele frequency attached by ClinVar (database versions not stated): gnomAD exomes below 0.00001; gnomAD 0.00001; TOPMed 0.00001.
gnomAD v4.1: 5 of 1,603,962 alleles (0.00031%); highest among the groups gnomAD compares: Admixed American, 0.0033%; no homozygotes.

Submission:

Labcorp Genetics (formerly Invitae), Labcorp
Classification: Uncertain significance for Neuroferritinopathy; Hereditary hyperferritinemia with congenital cataracts. Last evaluated: 2025-11-26. Review status: criteria provided, single submitter. Criteria: Invitae Variant Classification Sherloc (09022015). Collection method: clinical testing. Allele origin: germline.
Comment: This variant occurs in a non-coding region of the FTL gene. It does not change the encoded amino acid sequence of the FTL protein. This variant is present in population databases (no rsID available, gnomAD 0.003%). This variant has not been reported in the literature in individuals affected with FTL-related conditions. ClinVar contains an entry for this variant (Variation ID: 2949486). In summary, the available evidence is currently insufficient to determine the role of this variant in disease. Therefore, it has been classified as a Variant of Uncertain Significance.

NM_000146.4(FTL):c.-10C>T

Gene: FTL (ferritin light chain; plus strand). Cytogenetic location: 19q13.33.
Variant type: single nucleotide variant.
Coding change: c.-10C>T on transcript NM_000146.4 (MANE Select); 10 bases upstream of the start codon, C replaced by T.
Molecular consequence: 5 prime UTR variant.
Genome position (GRCh38, 1-based): chr19:48,965,498, C>T. VCF-style: chr19-48965498-C-T. GRCh37 (hg19) VCF-style: chr19-49468755-C-T.
Identifiers: ClinVar variation 2949486 (VCV002949486.3), dbSNP rs1411676083, ClinGen allele CA633889296.